The following is an entry in ClinVar:

ClinVar aggregate classification (germline): Uncertain significance (1 of 4 stars; one submission).

Submission:

Labcorp Genetics (formerly Invitae), Labcorp
Classification: Uncertain significance. Last evaluated: 2022-10-01. Review status: criteria provided, single submitter. Criteria: Invitae Variant Classification Sherloc (09022015). Collection method: clinical testing. Allele origin: germline.
Comment: In summary, the available evidence is currently insufficient to determine the role of this variant in disease. Therefore, it has been classified as a Variant of Uncertain Significance. Advanced modeling of protein sequence and biophysical properties (such as structural, functional, and spatial information, amino acid conservation, physicochemical variation, residue mobility, and thermodynamic stability) performed at Invitae indicates that this missense variant is not expected to disrupt COL11A1 protein function. This variant has not been reported in the literature in individuals affected with COL11A1-related conditions. This variant is not present in population databases (gnomAD no frequency). This sequence change replaces isoleucine, which is neutral and non-polar, with valine, which is neutral and non-polar, at codon 267 of the COL11A1 protein (p.Ile267Val).

NM_001854.4(COL11A1):c.799A>G (p.Ile267Val)

Gene: COL11A1 (collagen type XI alpha 1 chain; minus strand). Cytogenetic location: 1p21.1.
Variant type: single nucleotide variant.
Coding change: c.799A>G on transcript NM_001854.4 (MANE Select); coding-DNA position 799, A replaced by G.
Protein change: p.Ile267Val; replaces isoleucine 267 with valine.
Molecular consequence: missense variant. On other transcripts: non-coding transcript variant (1), intron variant (2).
Genome position (GRCh38, 1-based): chr1:103,026,314, T>C on the plus strand (A>G on the coding strand, the complement: COL11A1 is on the minus strand). VCF-style: chr1-103026314-T-C. GRCh37 (hg19) VCF-style: chr1-103491870-T-C.
Other names: c.799A>G, p.Ile267Val (NM_001168249.1, NM_080630.4); c.781-701A>G (NM_001190709.2); c.781-362A>G (NM_080629.3); short protein forms I267V.
Identifiers: ClinVar variation 1717762 (VCV001717762.5), dbSNP rs2525620774, ClinGen allele CA341157479.